The following is an entry in ClinVar:

ClinVar aggregate classification (germline): Uncertain significance (1 of 4 stars; one submission).

Allele frequency attached by ClinVar (database versions not stated): ExAC 0.00001.
gnomAD v4.1: 11 of 1,607,840 alleles (0.00068%); highest among the groups gnomAD compares: Non-Finnish European, 0.00094%; no homozygotes.

Submission:

Ambry Genetics
Classification: Uncertain significance. Last evaluated: 2024-03-22. Review status: criteria provided, single submitter. Criteria: Ambry Variant Classification Scheme 2023. Collection method: clinical testing. Allele origin: germline.
Comment: The p.S76T variant (also known as c.227G>C), located in coding exon 4 of the RAD54L gene, results from a G to C substitution at nucleotide position 227. The serine at codon 76 is replaced by threonine, an amino acid with similar properties. This amino acid position is conserved. In addition, this alteration is predicted to be tolerated by in silico analysis. Since supporting evidence is limited at this time, the clinical significance of this alteration remains unclear.

NM_003579.4(RAD54L):c.227G>C (p.Ser76Thr)

Gene: RAD54L (RAD54 like; plus strand). Cytogenetic location: 1p34.1.
Variant type: single nucleotide variant.
Coding change: c.227G>C on transcript NM_003579.4 (MANE Select); coding-DNA position 227, G replaced by C.
Protein change: p.Ser76Thr; replaces serine 76 with threonine.
Molecular consequence: missense variant. On other transcripts: 5 prime UTR variant (1).
Genome position (GRCh38, 1-based): chr1:46,258,702, G>C. VCF-style: chr1-46258702-G-C. GRCh37 (hg19) VCF-style: chr1-46724374-G-C.
Other names: c.227G>C, p.Ser76Thr (NM_001142548.2); c.-314G>C (NM_001370766.1); short protein forms S76T.
Identifiers: ClinVar variation 1788919 (VCV001788919.2), dbSNP rs769566923, ClinGen allele CA834179.